The following is an entry in ClinVar:

NM_022124.6(CDH23):c.9337G>A (p.Asp3113Asn)

Gene: CDH23 (cadherin related 23; plus strand). Cytogenetic location: 10q22.1.
Variant type: single nucleotide variant.
Coding change: c.9337G>A on transcript NM_022124.6 (MANE Select); coding-DNA position 9337, G replaced by A.
Protein change: p.Asp3113Asn; replaces aspartic acid 3113 with asparagine.
Molecular consequence: missense variant. On other transcripts: 5 prime UTR variant (2).
Genome position (GRCh38, 1-based): chr10:71,811,972, G>A. VCF-style: chr10-71811972-G-A. GRCh37 (hg19) VCF-style: chr10-73571729-G-A.
Other names: c.2617G>A, p.Asp873Asn (NM_001171933.1, NM_001171934.1); c.-320G>A (NM_001171935.1, NM_001171936.1); short protein forms D3113N, D873N.
Identifiers: ClinVar variation 1472688 (VCV001472688.5), dbSNP rs1157786977, ClinGen allele CA377135867.

ClinVar aggregate classification (germline): Uncertain significance (1 of 4 stars; one submission).

Allele frequency attached by ClinVar (database versions not stated): gnomAD exomes 0.00001.
gnomAD v4.1: 8 of 1,608,724 alleles (0.0005%); highest among the groups gnomAD compares: East Asian, 0.0022%; no homozygotes.

Submission:

Labcorp Genetics (formerly Invitae), Labcorp
Classification: Uncertain significance. Last evaluated: 2022-04-09. Review status: criteria provided, single submitter. Criteria: Invitae Variant Classification Sherloc (09022015). Collection method: clinical testing. Allele origin: germline.
Comment: This sequence change replaces aspartic acid, which is acidic and polar, with asparagine, which is neutral and polar, at codon 3113 of the CDH23 protein (p.Asp3113Asn). This variant is present in population databases (no rsID available, gnomAD 0.01%). This variant has not been reported in the literature in individuals affected with CDH23-related conditions. Algorithms developed to predict the effect of missense changes on protein structure and function are either unavailable or do not agree on the potential impact of this missense change (SIFT: "Deleterious"; PolyPhen-2: "Not Available"; Align-GVGD: "Class C0"). In summary, the available evidence is currently insufficient to determine the role of this variant in disease. Therefore, it has been classified as a Variant of Uncertain Significance.